The following is an entry in ClinVar:

NM_024312.5(GNPTAB):c.560G>A (p.Ser187Asn)

Gene: GNPTAB (N-acetylglucosamine-1-phosphate transferase subunits alpha and beta; minus strand). Cytogenetic location: 12q23.2.
Variant type: single nucleotide variant.
Coding change: c.560G>A on transcript NM_024312.5 (MANE Select); coding-DNA position 560, G replaced by A.
Protein change: p.Ser187Asn; replaces serine 187 with asparagine.
Molecular consequence: missense variant.
Genome position (GRCh38, 1-based): chr12:101,786,023, C>T on the plus strand (G>A on the coding strand, the complement: GNPTAB is on the minus strand). VCF-style: chr12-101786023-C-T. GRCh37 (hg19) VCF-style: chr12-102179801-C-T.
Other names: short protein forms S187N.
Identifiers: ClinVar variation 1907750 (VCV001907750.5), dbSNP rs771918262, ClinGen allele CA6746859.

ClinVar aggregate classification (germline): Uncertain significance (1 of 4 stars; one submission).

Conditions:
Mucolipidosis type II. Also called: Mucolipidosis II Alpha/Beta; ML II ALPHA/BETA; Mucolipidosis 2; ML 2; Inclusion cell disease; Leroy Disease. Identifiers: Orphanet 576, MedGen C2673377, MONDO:0009650, OMIM 252500.
Pseudo-Hurler polydystrophy. Also called: MUCOLIPIDOSIS IIIA; ML III; ML III ALPHA/BETA; Type III Mucolipidosis; ML IIIA; Mucolipidosis III Alpha/Beta. Identifiers: Orphanet 423461, Orphanet 577, MedGen C0033788, MONDO:0018931, OMIM 252600.

Allele frequency attached by ClinVar (database versions not stated): ExAC 0.00001.
gnomAD v4.1: 5 of 1,610,020 alleles (0.00031%); highest among the groups gnomAD compares: Admixed American, 0.0033%; no homozygotes.

Submission:

Labcorp Genetics (formerly Invitae), Labcorp
Classification: Uncertain significance for Pseudo-Hurler polydystrophy; Mucolipidosis type II. Last evaluated: 2024-02-24. Review status: criteria provided, single submitter. Criteria: Invitae Variant Classification Sherloc (09022015). Collection method: clinical testing. Allele origin: germline.
Comment: This sequence change replaces serine, which is neutral and polar, with asparagine, which is neutral and polar, at codon 187 of the GNPTAB protein (p.Ser187Asn). This variant is present in population databases (rs771918262, gnomAD 0.006%). This variant has not been reported in the literature in individuals affected with GNPTAB-related conditions. ClinVar contains an entry for this variant (Variation ID: 1907750). Advanced modeling of protein sequence and biophysical properties (such as structural, functional, and spatial information, amino acid conservation, physicochemical variation, residue mobility, and thermodynamic stability) performed at Invitae indicates that this missense variant is not expected to disrupt GNPTAB protein function with a negative predictive value of 80%. In summary, the available evidence is currently insufficient to determine the role of this variant in disease. Therefore, it has been classified as a Variant of Uncertain Significance.